The following is an entry in ClinVar:

ClinVar aggregate classification (germline): Uncertain significance (1 of 4 stars; one submission).

Conditions:
Hereditary cancer-predisposing syndrome. Also called: Hereditary Cancer Syndrome; Hereditary neoplastic syndrome; Neoplastic Syndromes, Hereditary; Tumor predisposition. Identifiers: Orphanet 140162, MedGen C0027672, MeSH D009386, MONDO:0015356.

Submission:

Ambry Genetics
Classification: Uncertain significance for Hereditary cancer-predisposing syndrome. Last evaluated: 2025-03-16. Review status: criteria provided, single submitter. Criteria: Ambry Variant Classification Scheme 2023. Collection method: clinical testing. Allele origin: germline.
Comment: The p.T2828A variant (also known as c.8482A>G), located in coding exon 15 of the APC gene, results from an A to G substitution at nucleotide position 8482. The threonine at codon 2828 is replaced by alanine, an amino acid with similar properties. This amino acid position is conserved. In addition, in silico predictors for this gene do not accurately predict pathogenicity. Based on the available evidence, the clinical significance of this variant remains unclear.

NM_000038.6(APC):c.8482A>G (p.Thr2828Ala)

Gene: APC (APC regulator of Wnt signaling pathway; plus strand). Cytogenetic location: 5q22.2.
Variant type: single nucleotide variant.
Coding change: c.8482A>G on transcript NM_000038.6 (MANE Select); coding-DNA position 8482, A replaced by G.
Protein change: p.Thr2828Ala; replaces threonine 2828 with alanine.
Molecular consequence: missense variant. On other transcripts: non-coding transcript variant (2).
Genome position (GRCh38, 1-based): chr5:112,844,076, A>G. VCF-style: chr5-112844076-A-G. GRCh37 (hg19) VCF-style: chr5-112179773-A-G.
Other names: c.8482A>G, p.Thr2828Ala (NM_001127510.3, NM_001354895.2, NM_001407450.1); c.8428A>G, p.Thr2810Ala (NM_001127511.3); c.8536A>G, p.Thr2846Ala (NM_001354896.2, NM_001407447.1, NM_001407448.1 and 1 more transcripts); c.8512A>G, p.Thr2838Ala (NM_001354897.2); c.8407A>G, p.Thr2803Ala (NM_001354898.2); c.8398A>G, p.Thr2800Ala (NM_001354899.2); c.8359A>G, p.Thr2787Ala (NM_001354900.2); c.8305A>G, p.Thr2769Ala (NM_001354901.2, NM_001407453.1); and 11 more; short protein forms T2444A, T2668A, T2727A, T2545A, T2699A, T2769A, T2800A, T2803A.
Identifiers: ClinVar variation 3927234 (VCV003927234.1).